The following is an entry in ClinVar:

ClinVar aggregate classification (germline): Likely benign (1 of 4 stars; one submission).

Allele frequency attached by ClinVar (database versions not stated): ESP Exome Variant Server 0.00008; gnomAD exomes 0.00008; TOPMed 0.00009; ExAC 0.00011; gnomAD 0.00011.
gnomAD v4.1: 147 of 1,611,808 alleles (0.0091%); highest among the groups gnomAD compares: Middle Eastern, 0.049%; no homozygotes.

Submission:

CeGaT Center for Human Genetics Tuebingen
Classification: Likely benign. Last evaluated: 2026-08-01. Review status: criteria provided, single submitter. Criteria: CeGaT Center For Human Genetics Tuebingen Variant Classification Criteria Version 2. Collection method: clinical testing. Allele origin: germline. Affected: yes. Observed: 4 variant alleles.
Comment: TOGARAM1: BP4, BP7

NM_001308120.2(TOGARAM1):c.3330C>T (p.Gly1110=)

Gene: TOGARAM1 (TOG array regulator of axonemal microtubules 1; plus strand). Cytogenetic location: 14q21.2.
Variant type: single nucleotide variant.
Coding change: c.3330C>T on transcript NM_001308120.2 (MANE Select); coding-DNA position 3330, C replaced by T.
Protein change: p.Gly1110=; no amino-acid change (glycine 1110 retained).
Molecular consequence: synonymous variant. On other transcripts: non-coding transcript variant (1).
Genome position (GRCh38, 1-based): chr14:45,027,300, C>T. VCF-style: chr14-45027300-C-T. GRCh37 (hg19) VCF-style: chr14-45496503-C-T.
Other names: c.3330C>T, p.Gly1110= (NM_015091.4).
Identifiers: ClinVar variation 3025048 (VCV003025048.22), dbSNP rs375910485, ClinGen allele CA7167519.